The following is an entry in ClinVar:

ClinVar aggregate classification (germline): Uncertain significance (1 of 4 stars; one submission).

gnomAD v4.1: 4 of 1,614,214 alleles (0.00025%); highest among the groups gnomAD compares: South Asian, 0.0033%; no homozygotes.

Submission:

Labcorp Genetics (formerly Invitae), Labcorp
Classification: Uncertain significance. Last evaluated: 2024-08-14. Review status: criteria provided, single submitter. Criteria: Invitae Variant Classification Sherloc (09022015). Collection method: clinical testing. Allele origin: germline.
Comment: This sequence change replaces glutamic acid, which is acidic and polar, with lysine, which is basic and polar, at codon 774 of the IGF1R protein (p.Glu774Lys). This variant is present in population databases (rs147027099, gnomAD 0.006%). This variant has not been reported in the literature in individuals affected with IGF1R-related conditions. Invitae Evidence Modeling of protein sequence and biophysical properties (such as structural, functional, and spatial information, amino acid conservation, physicochemical variation, residue mobility, and thermodynamic stability) indicates that this missense variant is not expected to disrupt IGF1R protein function with a negative predictive value of 80%. In summary, the available evidence is currently insufficient to determine the role of this variant in disease. Therefore, it has been classified as a Variant of Uncertain Significance.

NM_000875.5(IGF1R):c.2320G>A (p.Glu774Lys)

Gene: IGF1R (insulin like growth factor 1 receptor; plus strand). Cytogenetic location: 15q26.3.
Variant type: single nucleotide variant.
Coding change: c.2320G>A on transcript NM_000875.5 (MANE Select); coding-DNA position 2320, G replaced by A.
Protein change: p.Glu774Lys; replaces glutamic acid 774 with lysine.
Molecular consequence: missense variant.
Genome position (GRCh38, 1-based): chr15:98,922,266, G>A. VCF-style: chr15-98922266-G-A. GRCh37 (hg19) VCF-style: chr15-99465495-G-A.
Other names: c.2320G>A, p.Glu774Lys (NM_001291858.2); short protein forms E774K.
Identifiers: ClinVar variation 3670608 (VCV003670608.2).